The following is an entry in ClinVar:

ClinVar aggregate classification (germline): Uncertain significance (1 of 4 stars; one submission).

Allele frequency attached by ClinVar (database versions not stated): ExAC 0.00001; gnomAD 0.00001; gnomAD exomes 0.00001.

Submission:

Labcorp Genetics (formerly Invitae), Labcorp
Classification: Uncertain significance. Last evaluated: 2022-09-23. Review status: criteria provided, single submitter. Criteria: Invitae Variant Classification Sherloc (09022015). Collection method: clinical testing. Allele origin: germline.
Comment: This sequence change replaces serine, which is neutral and polar, with proline, which is neutral and non-polar, at codon 81 of the CPA1 protein (p.Ser81Pro). This variant is present in population databases (rs782574271, gnomAD 0.0009%). This variant has not been reported in the literature in individuals affected with CPA1-related conditions. Algorithms developed to predict the effect of missense changes on protein structure and function (SIFT, PolyPhen-2, Align-GVGD) all suggest that this variant is likely to be tolerated. In summary, the available evidence is currently insufficient to determine the role of this variant in disease. Therefore, it has been classified as a Variant of Uncertain Significance.

NM_001868.4(CPA1):c.241T>C (p.Ser81Pro)

Gene: CPA1 (carboxypeptidase A1; plus strand). Cytogenetic location: 7q32.2.
Variant type: single nucleotide variant.
Coding change: c.241T>C on transcript NM_001868.4 (MANE Select); coding-DNA position 241, T replaced by C.
Protein change: p.Ser81Pro; replaces serine 81 with proline.
Molecular consequence: missense variant.
Genome position (GRCh38, 1-based): chr7:130,381,723, T>C. VCF-style: chr7-130381723-T-C. GRCh37 (hg19) VCF-style: chr7-130021564-T-C.
Other names: short protein forms S81P.
Identifiers: ClinVar variation 1963332 (VCV001963332.5), dbSNP rs782574271, ClinGen allele CA4484737.